The following is an entry in ClinVar:

NM_176787.5(PIGN):c.1835G>A (p.Gly612Asp)

Gene: PIGN (phosphatidylinositol glycan anchor biosynthesis class N; minus strand). Cytogenetic location: 18q21.33.
Variant type: single nucleotide variant.
Coding change: c.1835G>A on transcript NM_176787.5 (MANE Select); coding-DNA position 1835, G replaced by A.
Protein change: p.Gly612Asp; replaces glycine 612 with aspartic acid.
Molecular consequence: missense variant.
Genome position (GRCh38, 1-based): chr18:62,105,567, C>T on the plus strand (G>A on the coding strand, the complement: PIGN is on the minus strand). VCF-style: chr18-62105567-C-T. GRCh37 (hg19) VCF-style: chr18-59772800-C-T.
Other names: c.1835G>A, p.Gly612Asp (NM_012327.6); short protein forms G612D.
Identifiers: ClinVar variation 1022443 (VCV001022443.7), dbSNP rs776827487, ClinGen allele CA8982162.
Genomic context (GRCh38, chr18:62,105,567, plus strand): 5'-TATTGAAAATAGAATAAAATACAATATTATTCATACACTAGAGAGATGTCTGGCTTTCGA[C>T]CTACAACCGGCATCAGTGGGAACACTGCCAGGAGCAAAGAGAAGAAAGTCCAACTCAGTG-3'
Protein context (NP_789744.1, residues 602-622): LAVFPLMPVV[Gly612Asp]RKPDISLVMG

ClinVar aggregate classification (germline): Uncertain significance (1 of 4 stars; one submission).

Conditions:
Multiple congenital anomalies-hypotonia-seizures syndrome 1 (MCAHS1). Also called: PIGN-CDG; Congenital disorder of glycosylation due to PIGN deficiency; GLYCOSYLPHOSPHATIDYLINOSITOL BIOSYNTHESIS DEFECT 3. Identifiers: Orphanet 280633, MedGen C3279775, MONDO:0013563, OMIM 614080.

Allele frequency attached by ClinVar (database versions not stated): ExAC below 0.00001; gnomAD exomes below 0.00001.
gnomAD v4.1: 1 of 1,551,570 alleles (0.000064%); highest among the groups gnomAD compares: South Asian, 0.0012%; no homozygotes.

Submission:

Labcorp Genetics (formerly Invitae), Labcorp
Classification: Uncertain significance for Multiple congenital anomalies-hypotonia-seizures syndrome 1. Last evaluated: 2022-09-01. Review status: criteria provided, single submitter. Criteria: Invitae Variant Classification Sherloc (09022015). Collection method: clinical testing. Allele origin: germline.
Comment: This sequence change replaces glycine, which is neutral and non-polar, with aspartic acid, which is acidic and polar, at codon 612 of the PIGN protein (p.Gly612Asp). The frequency data for this variant in the population databases is considered unreliable, as metrics indicate poor data quality at this position in the gnomAD database. This variant has not been reported in the literature in individuals affected with PIGN-related conditions. ClinVar contains an entry for this variant (Variation ID: 1022443). Algorithms developed to predict the effect of missense changes on protein structure and function are either unavailable or do not agree on the potential impact of this missense change (SIFT: "Tolerated"; PolyPhen-2: "Probably Damaging"; Align-GVGD: "Class C0"). In summary, the available evidence is currently insufficient to determine the role of this variant in disease. Therefore, it has been classified as a Variant of Uncertain Significance.